The following is an entry in ClinVar:

NM_024642.5(GALNT12):c.1335C>T (p.Phe445=)

Gene: GALNT12 (polypeptide N-acetylgalactosaminyltransferase 12; plus strand). Cytogenetic location: 9q22.33.
Variant type: single nucleotide variant.
Coding change: c.1335C>T on transcript NM_024642.5 (MANE Select); coding-DNA position 1335, C replaced by T.
Protein change: p.Phe445=; no amino-acid change (phenylalanine 445 retained).
Molecular consequence: synonymous variant.
Genome position (GRCh38, 1-based): chr9:98,840,124, C>T. VCF-style: chr9-98840124-C-T. GRCh37 (hg19) VCF-style: chr9-101602406-C-T.
Identifiers: ClinVar variation 818837 (VCV000818837.5), dbSNP rs1588455850, ClinGen allele CA466425162.

ClinVar aggregate classification (germline): Benign/Likely benign. Review status: criteria provided, multiple submitters, no conflicts (2 of 4 stars). 2 submissions from 2 submitters: Benign (1); Likely benign (1). Last evaluated 2026-04-27.

Conditions:
Colorectal cancer, susceptibility to, 1. Also called: COLORECTAL ADENOMA AND CANCER, SUSCEPTIBILITY TO; COLORECTAL CANCER, SUSCEPTIBILITY TO, ON CHROMOSOME 9. Identifiers: MedGen C1837315, MONDO:0012132, OMIM 608812.

Submissions (2):

Myriad Genetics, Inc.
Classification: Benign for Colorectal cancer, susceptibility to, 1. Last evaluated: 2026-04-27. Review status: criteria provided, single submitter. Criteria: Myriad Autosomal Dominant, Autosomal Recessive and X-Linked Classification Criteria (2023). Collection method: clinical testing. Allele origin: unknown.
Comment: This variant is considered benign. This variant is a silent/synonymous amino acid change and it is not expected to impact splicing.

Ambry Genetics
Classification: Likely benign. Last evaluated: 2019-03-13. Review status: criteria provided, single submitter. Criteria: Ambry Variant Classification Scheme 2023. Collection method: clinical testing. Allele origin: germline.